The following is an entry in ClinVar:

NM_000059.4(BRCA2):c.2249A>C (p.Asp750Ala)

Gene: BRCA2 (BRCA2 DNA repair associated; plus strand). Cytogenetic location: 13q13.1.
Variant type: single nucleotide variant.
Coding change: c.2249A>C on transcript NM_000059.4 (MANE Select); coding-DNA position 2249, A replaced by C.
Protein change: p.Asp750Ala; replaces aspartic acid 750 with alanine.
Molecular consequence: missense variant.
Genome position (GRCh38, 1-based): chr13:32,336,604, A>C. VCF-style: chr13-32336604-A-C. GRCh37 (hg19) VCF-style: chr13-32910741-A-C.
Other names: short protein forms D750A.
Identifiers: ClinVar variation 820958 (VCV000820958.6), dbSNP rs1555282574, ClinGen allele CA387770888.

ClinVar aggregate classification (germline): Conflicting classifications of pathogenicity. Review status: criteria provided, conflicting classifications (1 of 4 stars). 2 submissions from 2 submitters: Uncertain significance (1); Likely benign (1). Last evaluated 2023-03-23.

Conditions:
Hereditary cancer-predisposing syndrome. Also called: Neoplastic Syndromes, Hereditary; Tumor predisposition; Hereditary Cancer Syndrome; Hereditary neoplastic syndrome. Identifiers: Orphanet 140162, MedGen C0027672, MeSH D009386, MONDO:0015356.

Submissions (2):

University of Washington Department of Laboratory Medicine, University of Washington
Classification: Likely benign for Hereditary cancer-predisposing syndrome. Last evaluated: 2023-03-23. Review status: criteria provided, single submitter. Criteria: Dines et al. (Genet Med. 2020). Collection method: curation. Allele origin: germline.
Comment: Missense variant in a coldspot region where missense variants are very unlikely to be pathogenic (PMID:31911673).

BRCA2 exon 11 coldspot. Reclassification based on statistical prior probability.

Ambry Genetics
Classification: Uncertain significance for Hereditary cancer-predisposing syndrome. Last evaluated: 2018-11-30. Review status: criteria provided, single submitter. Criteria: Ambry Variant Classification Scheme 2023. Collection method: clinical testing. Allele origin: germline.
Comment: The p.D750A variant (also known as c.2249A>C), located in coding exon 10 of the BRCA2 gene, results from an A to C substitution at nucleotide position 2249. The aspartic acid at codon 750 is replaced by alanine, an amino acid with dissimilar properties. This amino acid position is poorly conserved in available vertebrate species. In addition, this alteration is predicted to be tolerated by in silico analysis. Since supporting evidence is limited at this time, the clinical significance of this alteration remains unclear.